The following is an entry in ClinVar:

ClinVar aggregate classification (germline): Uncertain significance. Review status: criteria provided, multiple submitters, no conflicts (2 of 4 stars). 3 submissions from 3 submitters: Uncertain significance (3). Last evaluated 2025-08-09.

Conditions:
IHH-related disorder. Also called: IHH-related condition.
Inborn genetic diseases. Identifiers: MedGen C0950123, MeSH D030342.

Allele frequency attached by ClinVar (database versions not stated): gnomAD exomes 0.00002; ExAC 0.00003; gnomAD 0.00004; TOPMed 0.00007.

Submissions (3):

Ambry Genetics
Classification: Uncertain significance for Inborn genetic diseases. Last evaluated: 2025-08-09. Review status: criteria provided, single submitter. Criteria: Ambry Variant Classification Scheme 2023. Collection method: clinical testing. Allele origin: germline.

Labcorp Genetics (formerly Invitae), Labcorp
Classification: Uncertain significance. Last evaluated: 2025-04-29. Review status: criteria provided, single submitter. Criteria: Invitae Variant Classification Sherloc (09022015). Collection method: clinical testing. Allele origin: germline.
Comment: This sequence change replaces alanine, which is neutral and non-polar, with valine, which is neutral and non-polar, at codon 349 of the IHH protein (p.Ala349Val). This variant is present in population databases (rs777059543, gnomAD 0.007%). This variant has not been reported in the literature in individuals affected with IHH-related conditions. ClinVar contains an entry for this variant (Variation ID: 1477732). Invitae Evidence Modeling of protein sequence and biophysical properties (such as structural, functional, and spatial information, amino acid conservation, physicochemical variation, residue mobility, and thermodynamic stability) indicates that this missense variant is expected to disrupt IHH protein function with a positive predictive value of 80%. In summary, the available evidence is currently insufficient to determine the role of this variant in disease. Therefore, it has been classified as a Variant of Uncertain Significance.

PreventionGenetics, part of Exact Sciences
Classification: Uncertain significance for IHH-related condition. Last evaluated: 2022-12-27. Review status: criteria provided, single submitter. Criteria: ACMG Guidelines, 2015. Collection method: clinical testing. Allele origin: germline.
Comment: The IHH c.1046C>T variant is predicted to result in the amino acid substitution p.Ala349Val. To our knowledge, this variant has not been reported in the literature. This variant is reported in 0.0063% of alleles in individuals of African descent in gnomAD. At this time, the clinical significance of this variant is uncertain due to the absence of conclusive functional and genetic evidence.

NM_002181.4(IHH):c.1046C>T (p.Ala349Val)

Gene: IHH (Indian hedgehog signaling molecule; minus strand). Cytogenetic location: 2q35.
Variant type: single nucleotide variant.
Coding change: c.1046C>T on transcript NM_002181.4 (MANE Select); coding-DNA position 1046, C replaced by T.
Protein change: p.Ala349Val; replaces alanine 349 with valine.
Molecular consequence: missense variant.
Genome position (GRCh38, 1-based): chr2:219,055,397, G>A on the plus strand (C>T on the coding strand, the complement: IHH is on the minus strand). VCF-style: chr2-219055397-G-A. GRCh37 (hg19) VCF-style: chr2-219920119-G-A.
Other names: c.1046C>T (NM_002181.3); short protein forms A349V.
Identifiers: ClinVar variation 1477732 (VCV001477732.8), dbSNP rs777059543, ClinGen allele CA2116544.